The following is an entry in ClinVar:

ClinVar aggregate classification (germline): Uncertain significance. Review status: criteria provided, multiple submitters, no conflicts (2 of 4 stars). 2 submissions from 2 submitters: Uncertain significance (2). Last evaluated 2025-11-11.

Conditions:
Inborn genetic diseases. Identifiers: MedGen C0950123, MeSH D030342.
Baller-Gerold syndrome (BGS). Also called: CRANIOSYNOSTOSIS WITH RADIAL DEFECTS. Identifiers: Orphanet 1225, MedGen C0265308, MONDO:0009039, OMIM 218600.

Allele frequency attached by ClinVar (database versions not stated): TOPMed 0.00001; gnomAD 0.00002; ExAC 0.00004.
gnomAD v4.1: 5 of 1,566,070 alleles (0.00032%); highest among the groups gnomAD compares: African/African-American, 0.0014%; no homozygotes.

Submissions (2):

Ambry Genetics
Classification: Uncertain significance for Inborn genetic diseases. Last evaluated: 2025-11-11. Review status: criteria provided, single submitter. Criteria: Ambry Variant Classification Scheme 2023. Collection method: clinical testing. Allele origin: germline.

Labcorp Genetics (formerly Invitae), Labcorp
Classification: Uncertain significance for Baller-Gerold syndrome. Last evaluated: 2023-06-15. Review status: criteria provided, single submitter. Criteria: Invitae Variant Classification Sherloc (09022015). Collection method: clinical testing. Allele origin: germline.
Comment: This sequence change replaces glutamic acid, which is acidic and polar, with glutamine, which is neutral and polar, at codon 486 of the RECQL4 protein (p.Glu486Gln). This variant is not present in population databases (gnomAD no frequency). This variant has not been reported in the literature in individuals affected with RECQL4-related conditions. ClinVar contains an entry for this variant (Variation ID: 407028). Advanced modeling of protein sequence and biophysical properties (such as structural, functional, and spatial information, amino acid conservation, physicochemical variation, residue mobility, and thermodynamic stability) has been performed at Invitae for this missense variant, however the output from this modeling did not meet the statistical confidence thresholds required to predict the impact of this variant on RECQL4 protein function. In summary, the available evidence is currently insufficient to determine the role of this variant in disease. Therefore, it has been classified as a Variant of Uncertain Significance.

NM_004260.4(RECQL4):c.1456G>C (p.Glu486Gln)

Gene: RECQL4 (RecQ like helicase 4; minus strand). Cytogenetic location: 8q24.3.
Variant type: single nucleotide variant.
Coding change: c.1456G>C on transcript NM_004260.4 (MANE Select); coding-DNA position 1456, G replaced by C.
Protein change: p.Glu486Gln; replaces glutamic acid 486 with glutamine.
Molecular consequence: missense variant.
Genome position (GRCh38, 1-based): chr8:144,515,177, C>G on the plus strand (G>C on the coding strand, the complement: RECQL4 is on the minus strand). VCF-style: chr8-144515177-C-G. GRCh37 (hg19) VCF-style: chr8-145740561-C-G.
Other names: short protein forms E486Q.
Identifiers: ClinVar variation 407028 (VCV000407028.9), dbSNP rs768311526, ClinGen allele CA4948854.